The following is an entry in ClinVar:

ClinVar aggregate classification (germline): Uncertain significance. Review status: criteria provided, multiple submitters, no conflicts (2 of 4 stars). 2 submissions from 2 submitters: Uncertain significance (2). Last evaluated 2022-11-15.

Conditions:
Hereditary nonpolyposis colorectal neoplasms. Identifiers: MedGen C0009405, MeSH D003123.
Hereditary cancer-predisposing syndrome. Also called: Neoplastic Syndromes, Hereditary; Tumor predisposition; Hereditary Cancer Syndrome; Hereditary neoplastic syndrome. Identifiers: Orphanet 140162, MedGen C0027672, MeSH D009386, MONDO:0015356.

Submissions (2):

Ambry Genetics
Classification: Uncertain significance for Hereditary cancer-predisposing syndrome. Last evaluated: 2022-11-15. Review status: criteria provided, single submitter. Criteria: Ambry Variant Classification Scheme 2023. Collection method: clinical testing. Allele origin: germline.
Comment: The p.R20P variant (also known as c.59G>C), located in coding exon 2 of the PMS2 gene, results from a G to C substitution at nucleotide position 59. The arginine at codon 20 is replaced by proline, an amino acid with dissimilar properties. This amino acid position is not well conserved in available vertebrate species. In addition, the in silico prediction for this alteration is inconclusive. Since supporting evidence is limited at this time, the clinical significance of this alteration remains unclear.

Labcorp Genetics (formerly Invitae), Labcorp
Classification: Uncertain significance for Hereditary nonpolyposis colorectal neoplasms. Last evaluated: 2022-05-01. Review status: criteria provided, single submitter. Criteria: Invitae Variant Classification Sherloc (09022015). Collection method: clinical testing. Allele origin: germline.
Comment: This variant has not been reported in the literature in individuals affected with PMS2-related conditions. This variant is not present in population databases (gnomAD no frequency). This sequence change replaces arginine, which is basic and polar, with proline, which is neutral and non-polar, at codon 20 of the PMS2 protein (p.Arg20Pro). In summary, the available evidence is currently insufficient to determine the role of this variant in disease. Therefore, it has been classified as a Variant of Uncertain Significance. Advanced modeling of protein sequence and biophysical properties (such as structural, functional, and spatial information, amino acid conservation, physicochemical variation, residue mobility, and thermodynamic stability) performed at Invitae indicates that this missense variant is not expected to disrupt PMS2 protein function. ClinVar contains an entry for this variant (Variation ID: 233641).

NM_000535.7(PMS2):c.59G>C (p.Arg20Pro)

Gene: PMS2 (PMS1 homolog 2, mismatch repair system component; minus strand). Cytogenetic location: 7p22.1.
Variant type: single nucleotide variant.
Coding change: c.59G>C on transcript NM_000535.7 (MANE Select); coding-DNA position 59, G replaced by C.
Protein change: p.Arg20Pro; replaces arginine 20 with proline.
Molecular consequence: missense variant. On other transcripts: 5 prime UTR variant (8), non-coding transcript variant (1), intron variant (3).
Genome position (GRCh38, 1-based): chr7:6,005,996, C>G on the plus strand (G>C on the coding strand, the complement: PMS2 is on the minus strand). VCF-style: chr7-6005996-C-G. GRCh37 (hg19) VCF-style: chr7-6045627-C-G.
Other names: c.-347G>C (NM_001322003.2, NM_001322005.2, NM_001322009.2 and 1 more transcripts); c.59G>C, p.Arg20Pro (NM_001322006.2, NM_001322014.2); c.-157G>C (NM_001322007.2); c.-826G>C (NM_001322011.2, NM_001322012.2); c.-426G>C (NM_001322015.2); c.-52-1938G>C (NM_001322008.2); c.-242-1938G>C (NM_001322010.2, NM_001322004.2); short protein forms R20P.
Identifiers: ClinVar variation 233641 (VCV000233641.52), dbSNP rs10254120, ClinGen allele CA10578731.